The following is an entry in ClinVar:

NM_013339.4(ALG6):c.778C>G (p.Leu260Val)

Gene: ALG6 (ALG6 alpha-1,3-glucosyltransferase; plus strand). Cytogenetic location: 1p31.3.
Variant type: single nucleotide variant.
Coding change: c.778C>G on transcript NM_013339.4 (MANE Select); coding-DNA position 778, C replaced by G.
Protein change: p.Leu260Val; replaces leucine 260 with valine.
Molecular consequence: missense variant.
Genome position (GRCh38, 1-based): chr1:63,412,023, C>G. VCF-style: chr1-63412023-C-G. GRCh37 (hg19) VCF-style: chr1-63877694-C-G.
Other names: short protein forms L260V.
Identifiers: ClinVar variation 2168888 (VCV002168888.4), dbSNP rs12733227, ClinGen allele CA340635819.

ClinVar aggregate classification (germline): Uncertain significance (1 of 4 stars; one submission).

Conditions:
ALG6-congenital disorder of glycosylation 1C (CDG1C). Also called: CDG Ic; CARBOHYDRATE-DEFICIENT GLYCOPROTEIN SYNDROME, TYPE I, WITH DEFICIENT GLYCOSYLATION OF DOLICHOL-LINKED OLIGOSACCHARIDE; CARBOHYDRATE-DEFICIENT GLYCOPROTEIN SYNDROME, TYPE V; Congenital disorder of glycosylation type 1C; Congenital disorder of glycosylation, type Ic. Identifiers: Orphanet 79320, MedGen C2930997, MONDO:0011291, OMIM 603147.

Submission:

Labcorp Genetics (formerly Invitae), Labcorp
Classification: Uncertain significance for ALG6-congenital disorder of glycosylation 1C. Last evaluated: 2022-03-29. Review status: criteria provided, single submitter. Criteria: Invitae Variant Classification Sherloc (09022015). Collection method: clinical testing. Allele origin: germline.
Comment: In summary, the available evidence is currently insufficient to determine the role of this variant in disease. Therefore, it has been classified as a Variant of Uncertain Significance. Algorithms developed to predict the effect of missense changes on protein structure and function output the following: SIFT: "Tolerated"; PolyPhen-2: "Benign"; Align-GVGD: "Class C0". The valine amino acid residue is found in multiple mammalian species, which suggests that this missense change does not adversely affect protein function. This variant has not been reported in the literature in individuals affected with ALG6-related conditions. This variant is not present in population databases (gnomAD no frequency). This sequence change replaces leucine, which is neutral and non-polar, with valine, which is neutral and non-polar, at codon 260 of the ALG6 protein (p.Leu260Val).